The following is an entry in ClinVar:

ClinVar aggregate classification (germline): Uncertain significance. Review status: criteria provided, multiple submitters, no conflicts (2 of 4 stars). 4 submissions from 4 submitters: Uncertain significance (3). 1 of the submissions does not count toward it. Last evaluated 2024-09-10.

Conditions:
Ehlers-Danlos syndrome, dermatosparaxis type. Also called: EDS VIIC; Dermatosparaxis; Ehlers-Danlos syndrome, type VII, autosomal recessive. Identifiers: Orphanet 1901, MedGen C2700425, MONDO:0009161, OMIM 225410.

Submissions (4):

GeneDx
Classification: Uncertain significance. Last evaluated: 2024-09-10. Review status: criteria provided, single submitter. Criteria: GeneDx Variant Classification Process June 2021. Collection method: clinical testing. Allele origin: germline. Affected: yes.
Comment: Not observed at significant frequency in large population cohorts (gnomAD); In-frame duplication of 4 amino acids in a non-repeat region; In silico analysis indicates that this variant does not alter protein structure/function; Has not been previously published as pathogenic or benign to our knowledge

Blueprint Genetics
Classification: Uncertain significance. Last evaluated: 2024-07-18. Review status: criteria provided, single submitter. Criteria: ACMG Guidelines, 2015. Collection method: clinical testing. Allele origin: germline.

Labcorp Genetics (formerly Invitae), Labcorp
Classification: Uncertain significance for Ehlers-Danlos syndrome, dermatosparaxis type. Last evaluated: 2021-09-01. Review status: criteria provided, single submitter. Criteria: Invitae Variant Classification Sherloc (09022015). Collection method: clinical testing. Allele origin: germline.
Comment: This variant, c.59_70dup, results in the insertion of 4 amino acid(s) to the ADAMTS2 protein (p.Leu20_Leu23dup), but otherwise preserves the integrity of the reading frame. The frequency data for this variant in the population databases is considered unreliable, as metrics indicate insufficient coverage at this position in the ExAC database. This variant has not been reported in the literature in individuals affected with ADAMTS2-related conditions. Experimental studies and prediction algorithms are not available or were not evaluated, and the functional significance of this variant is currently unknown. In summary, the available evidence is currently insufficient to determine the role of this variant in disease. Therefore, it has been classified as a Variant of Uncertain Significance.

Natera, Inc.
Classification: Uncertain significance for Ehlers-Danlos syndrome type VIIC. Last evaluated: 2020-09-16. Review status: no assertion criteria provided. Collection method: clinical testing. Allele origin: germline. Not counted in ClinVar's aggregate classification.

NM_014244.5(ADAMTS2):c.47TGC[12] (p.Leu20_Leu23dup)

Gene: ADAMTS2 (ADAM metallopeptidase with thrombospondin type 1 motif 2; minus strand). Cytogenetic location: 5q35.3.
Variant type: Microsatellite.
Coding change: c.47TGC[12] on transcript NM_014244.5 (MANE Select); 12 copies in a row of the 3-base unit TGC starting at c.47; the reference has eight copies in a row; four copies, 12 bases duplicated; also written c.59_70dup.
Protein change: p.Leu20_Leu23dup.
Molecular consequence: inframe insertion.
Genome position (GRCh38, 1-based): chr5:179,345,259-179,345,270, GCAGCAGCAGCA duplicated on the plus strand (TGCTGCTGCTGC on the coding strand, the reverse complement: ADAMTS2 is on the minus strand); duplicating any 12 consecutive bases within chr5:179,345,259-179,345,284 gives the same sequence; the position shown is the placement nearest the transcript's 3' end. VCF-style (leftmost placement, unchanged base first): chr5-179345258-G-GGCAGCAGCAGCA. GRCh37 (hg19) VCF-style: chr5-178772259-G-GGCAGCAGCAGCA.
Other names: c.59_70dup (NM_014244.5); c.47TGC[12], p.Leu20_Leu23dup (NM_021599.4).
Identifiers: ClinVar variation 970768 (VCV000970768.8), dbSNP rs568040559, ClinGen allele CA1085000697.